The following is an entry in ClinVar:

ClinVar aggregate classification (germline): Uncertain significance (1 of 4 stars; one submission).

Submission:

Labcorp Genetics (formerly Invitae), Labcorp
Classification: Uncertain significance. Last evaluated: 2022-04-28. Review status: criteria provided, single submitter. Criteria: Invitae Variant Classification Sherloc (09022015). Collection method: clinical testing. Allele origin: germline.
Comment: In summary, the available evidence is currently insufficient to determine the role of this variant in disease. Therefore, it has been classified as a Variant of Uncertain Significance. Algorithms developed to predict the effect of missense changes on protein structure and function (SIFT, PolyPhen-2, Align-GVGD) all suggest that this variant is likely to be tolerated. This variant has not been reported in the literature in individuals affected with SEMA4A-related conditions. This variant is not present in population databases (gnomAD no frequency). This sequence change replaces valine, which is neutral and non-polar, with glycine, which is neutral and non-polar, at codon 242 of the SEMA4A protein (p.Val242Gly).

NM_022367.4(SEMA4A):c.725T>G (p.Val242Gly)

Gene: SEMA4A (semaphorin 4A; plus strand). Cytogenetic location: 1q22.
Variant type: single nucleotide variant.
Coding change: c.725T>G on transcript NM_022367.4 (MANE Select); coding-DNA position 725, T replaced by G.
Protein change: p.Val242Gly; replaces valine 242 with glycine.
Molecular consequence: missense variant.
Genome position (GRCh38, 1-based): chr1:156,160,944, T>G. VCF-style: chr1-156160944-T-G. GRCh37 (hg19) VCF-style: chr1-156130735-T-G.
Other names: c.218T>G, p.Val73Gly (NM_001370569.1, NM_001370571.1); c.725T>G, p.Val242Gly (NM_001193300.2, NM_001193301.2, NM_001370567.1); c.329T>G, p.Val110Gly (NM_001193302.2); c.428T>G, p.Val143Gly (NM_001370568.1); short protein forms V143G, V242G, V73G, V110G.
Identifiers: ClinVar variation 2131483 (VCV002131483.4), dbSNP rs2528165356, ClinGen allele CA342838385.